The following is an entry in ClinVar:

NM_001845.6(COL4A1):c.4832C>T (p.Ala1611Val)

Gene: COL4A1 (collagen type IV alpha 1 chain; minus strand). Cytogenetic location: 13q34.
Variant type: single nucleotide variant.
Coding change: c.4832C>T on transcript NM_001845.6 (MANE Select); coding-DNA position 4832, C replaced by T.
Protein change: p.Ala1611Val; replaces alanine 1611 with valine.
Molecular consequence: missense variant.
Genome position (GRCh38, 1-based): chr13:110,152,430, G>A on the plus strand (C>T on the coding strand, the complement: COL4A1 is on the minus strand). VCF-style: chr13-110152430-G-A. GRCh37 (hg19) VCF-style: chr13-110804777-G-A.
Other names: c.4832C>T (NM_001845.4); short protein forms A1611V.
Identifiers: ClinVar variation 1937414 (VCV001937414.7), dbSNP rs775233741, ClinGen allele CA7046791.

ClinVar aggregate classification (germline): Uncertain significance. Review status: criteria provided, multiple submitters, no conflicts (2 of 4 stars). 3 submissions from 3 submitters: Uncertain significance (3). Last evaluated 2025-02-10.

Conditions:
Autosomal dominant familial hematuria-retinal arteriolar tortuosity-contractures syndrome. Also called: Angiopathy, hereditary, with nephropathy, aneurysms, and muscle cramps; Hereditary Angiopathy with Nephropathy, Aneurysms, and Muscle Cramps (HANAC) Syndrome. Identifiers: Orphanet 73229, MedGen C2673195, MONDO:0012726, OMIM 611773.
Retinal arterial tortuosity. Also called: RETINAL HEMORRHAGE WITH VASCULAR TORTUOSITY; Retinal arteries, tortuosity of. Identifiers: Orphanet 75326, MedGen C0423401, MONDO:0008373, OMIM 180000, HP:0000631.
Microangiopathy and leukoencephalopathy, pontine, autosomal dominant. Also called: DEMENTIA, HEREDITARY MULTI-INFARCT, SWEDISH TYPE; Pontine autosomal dominant microangiopathy with leukoencephalopathy. Identifiers: Orphanet 477749, MedGen C5231411, MONDO:0032814, OMIM 618564.
Brain small vessel disease 1 with or without ocular anomalies (BSVD1). Also called: GOULD SYNDROME 1; BRAIN SMALL VESSEL DISEASE WITH HEMORRHAGE; Brain small vessel disease with or without ocular anomalies; PORENCEPHALY, TYPE 1, AUTOSOMAL DOMINANT. Identifiers: Orphanet 2940, Orphanet 36383, Orphanet 99810, MedGen C4755307, MONDO:0008289, OMIM 175780.
Hemorrhage, intracerebral, susceptibility to (ICH). Also called: Stroke, hemorrhagic, susceptibility to. Identifiers: MedGen C3281105, MONDO:0100533, OMIM 614519.

Allele frequency attached by ClinVar (database versions not stated): TOPMed 0.00002; ExAC 0.00001.
gnomAD v4.1: 8 of 1,614,120 alleles (0.0005%); highest among the groups gnomAD compares: East Asian, 0.0045%; no homozygotes.

Submissions (3):

GeneDx
Classification: Uncertain significance. Last evaluated: 2025-02-10. Review status: criteria provided, single submitter. Criteria: GeneDx Variant Classification Process June 2021. Collection method: clinical testing. Allele origin: germline. Affected: yes.
Comment: Not observed at significant frequency in large population cohorts (gnomAD); In silico analysis indicates that this missense variant does not alter protein structure/function; Has not been previously published as pathogenic or benign to our knowledge

Fulgent Genetics
Classification: Uncertain significance for Brain small vessel disease 1 with or without ocular anomalies; Retinal arterial tortuosity; Autosomal dominant familial hematuria-retinal arteriolar tortuosity-contractures syndrome; Hemorrhage, intracerebral, susceptibility to; Microangiopathy and leukoencephalopathy, pontine, autosomal dominant. Last evaluated: 2024-05-10. Review status: criteria provided, single submitter. Criteria: ACMG Guidelines, 2015. Collection method: clinical testing. Allele origin: germline.

Labcorp Genetics (formerly Invitae), Labcorp
Classification: Uncertain significance. Last evaluated: 2022-08-07. Review status: criteria provided, single submitter. Criteria: Invitae Variant Classification Sherloc (09022015). Collection method: clinical testing. Allele origin: germline.
Comment: In summary, the available evidence is currently insufficient to determine the role of this variant in disease. Therefore, it has been classified as a Variant of Uncertain Significance. Advanced modeling of protein sequence and biophysical properties (such as structural, functional, and spatial information, amino acid conservation, physicochemical variation, residue mobility, and thermodynamic stability) performed at Invitae indicates that this missense variant is not expected to disrupt COL4A1 protein function. This variant has not been reported in the literature in individuals affected with COL4A1-related conditions. This variant is present in population databases (rs775233741, gnomAD 0.006%). This sequence change replaces alanine, which is neutral and non-polar, with valine, which is neutral and non-polar, at codon 1611 of the COL4A1 protein (p.Ala1611Val).